The following is an entry in ClinVar:

ClinVar aggregate classification (germline): Benign (3 of 4 stars; one submission).

Conditions:
Breast-ovarian cancer, familial, susceptibility to, 1 (BROVCA1). Also called: BRCA1 Hereditary Breast and Ovarian Cancer; OVARIAN CANCER, SUSCEPTIBILITY TO. Identifiers: Orphanet 145, MedGen C2676676, MONDO:0011450, OMIM 604370. Disease mechanism: loss of function.

Allele frequency attached by ClinVar (database versions not stated): 1000 Genomes Project 0.00379; TOPMed 0.00421; 1000 Genomes Project 30x 0.00422; gnomAD 0.00438.
gnomAD v4.1: 599 of 151,418 alleles (0.4%); highest among the groups gnomAD compares: African/African-American, 1.4%; 5 homozygotes.

Submission:

Evidence-based Network for the Interpretation of Germline Mutant Alleles (ENIGMA)
Classification: Benign for Breast-ovarian cancer, familial, susceptibility to, 1. Last evaluated: 2016-09-28. Review status: reviewed by expert panel. Criteria: ENIGMA BRCA1/2 Classification Criteria (2015). Collection method: curation. Allele origin: germline.
Comment: Class 1 not pathogenic based on frequency >1% in an outbred sampleset. Frequency 0.0144 (African), derived from 1000 genomes (2013-05-02).

NM_007294.4(BRCA1):c.441+1382A>T

Gene: BRCA1 (BRCA1 DNA repair associated; minus strand). Cytogenetic location: 17q21.31.
Variant type: single nucleotide variant.
Coding change: c.441+1382A>T on transcript NM_007294.4 (MANE Select); 1382 bases into the intron after coding-DNA position 441, A replaced by T.
Molecular consequence: intron variant.
Genome position (GRCh38, 1-based): chr17:43,102,740, T>A on the plus strand (A>T on the coding strand, the complement: BRCA1 is on the minus strand). VCF-style: chr17-43102740-T-A. GRCh37 (hg19) VCF-style: chr17-41254757-T-A.
Other names: c.441+1382A>T (NM_001407690.1, NM_001407687.1, NM_001407941.1 and 164 more transcripts); c.300+1382A>T (NM_001407724.1, NM_001407697.1, NM_001407838.1 and 99 more transcripts); c.363+1382A>T (NM_001408415.1, NM_001408475.1, NM_001407875.1 and 21 more transcripts); c.231+1382A>T (NM_001408483.1, NM_001407885.1, NM_001407886.1 and 58 more transcripts); c.-218-7880A>T (NM_001407967.1, NM_001407966.1); c.60+1382A>T (NM_001407959.1, NM_001407962.1, NM_001408512.1 and 4 more transcripts); c.309+1382A>T (NM_001408451.1); c.432+1382A>T (NM_001408408.1, NM_001407647.1, NM_001407646.1).
Identifiers: ClinVar variation 264786 (VCV000264786.2), dbSNP rs556333401, ClinGen allele CA10588237.